The following is an entry in ClinVar:

ClinVar aggregate classification (germline): Likely benign. Review status: criteria provided, multiple submitters, no conflicts (2 of 4 stars). 8 submissions from 8 submitters: Likely benign (8). Last evaluated 2025-10-29.

Conditions:
Inborn genetic diseases. Identifiers: MedGen C0950123, MeSH D030342.

Allele frequency attached by ClinVar (database versions not stated): ExAC 0.00011; gnomAD exomes 0.00013; 1000 Genomes Project 30x 0.00016; gnomAD 0.00019; 1000 Genomes Project 0.00020; TOPMed 0.00030; ESP Exome Variant Server 0.00038.
gnomAD v4.1: 166 of 1,613,812 alleles (0.01%); highest among the groups gnomAD compares: Middle Eastern, 0.12%; no homozygotes.

Submissions (8):

Labcorp Genetics (formerly Invitae), Labcorp
Classification: Likely benign. Last evaluated: 2025-10-29. Review status: criteria provided, single submitter. Criteria: Invitae Variant Classification Sherloc (09022015). Collection method: clinical testing. Allele origin: germline.

Ambry Genetics
Classification: Likely benign for Inborn genetic diseases. Last evaluated: 2024-11-22. Review status: criteria provided, single submitter. Criteria: Ambry Variant Classification Scheme 2023. Collection method: clinical testing. Allele origin: germline.

Blueprint Genetics
Classification: Likely benign. Last evaluated: 2024-09-04. Review status: criteria provided, single submitter. Criteria: ACMG Guidelines, 2015. Collection method: clinical testing. Allele origin: germline.

CeGaT Center for Human Genetics Tuebingen
Classification: Likely benign. Last evaluated: 2022-12-01. Review status: criteria provided, single submitter. Criteria: CeGaT Center For Human Genetics Tuebingen Variant Classification Criteria Version 2. Collection method: clinical testing. Allele origin: germline. Affected: yes. Observed: 1 variant allele.
Comment: SAMD9: BP4, BP7

GeneDx
Classification: Likely benign. Last evaluated: 2021-10-04. Review status: criteria provided, single submitter. Criteria: GeneDx Variant Classification Process June 2021. Collection method: clinical testing. Allele origin: germline. Affected: yes.

ARUP Laboratories, Molecular Genetics and Genomics, ARUP Laboratories
Classification: Likely benign. Last evaluated: 2021-02-04. Review status: criteria provided, single submitter. Criteria: ARUP Molecular Germline Variant Investigation Process 2021. Collection method: clinical testing. Allele origin: germline.

Genetic Services Laboratory, University of Chicago
Classification: Likely benign. Last evaluated: 2020-02-05. Review status: criteria provided, single submitter. Criteria: ACMG Guidelines, 2015. Collection method: clinical testing. Allele origin: germline. Affected: no.

Breakthrough Genomics
Classification: Likely benign. Review status: criteria provided, single submitter. Criteria: ACMG Guidelines, 2015. Collection method: not provided. Allele origin: germline. Inheritance: Autosomal recessive inheritance. Affected: yes.

NM_017654.4(SAMD9):c.1059G>A (p.Thr353=)

Gene: SAMD9 (sterile alpha motif domain containing 9; minus strand). Cytogenetic location: 7q21.2.
Variant type: single nucleotide variant.
Coding change: c.1059G>A on transcript NM_017654.4 (MANE Select); coding-DNA position 1059, G replaced by A.
Protein change: p.Thr353=; no amino-acid change (threonine 353 retained).
Molecular consequence: synonymous variant.
Genome position (GRCh38, 1-based): chr7:93,105,039, C>T on the plus strand (G>A on the coding strand, the complement: SAMD9 is on the minus strand). VCF-style: chr7-93105039-C-T. GRCh37 (hg19) VCF-style: chr7-92734352-C-T.
Other names: c.1059G>A, p.Thr353= (NM_001193307.2).
Identifiers: ClinVar variation 778325 (VCV000778325.47), dbSNP rs145911444, ClinGen allele CA4343027.